The following is an entry in ClinVar:

NM_138413.4(HOGA1):c.635C>A (p.Thr212Asn)

Gene: HOGA1 (4-hydroxy-2-oxoglutarate aldolase 1; plus strand). Cytogenetic location: 10q24.2.
Variant type: single nucleotide variant.
Coding change: c.635C>A on transcript NM_138413.4 (MANE Select); coding-DNA position 635, C replaced by A.
Protein change: p.Thr212Asn; replaces threonine 212 with asparagine.
Molecular consequence: missense variant. On other transcripts: intron variant (1).
Genome position (GRCh38, 1-based): chr10:97,600,098, C>A. VCF-style: chr10-97600098-C-A. GRCh37 (hg19) VCF-style: chr10-99359855-C-A.
Other names: c.212-1759C>A (NM_001134670.2); short protein forms T212N.
Identifiers: ClinVar variation 836339 (VCV000836339.1), dbSNP rs746545018, ClinGen allele CA5634188.

ClinVar aggregate classification (germline): Uncertain significance (1 of 4 stars; one submission).

Allele frequency attached by ClinVar (database versions not stated): gnomAD exomes below 0.00001; ExAC 0.00001.
gnomAD v4.1: 3 of 1,614,170 alleles (0.00019%); highest among the groups gnomAD compares: Non-Finnish European, 0.000085%; no homozygotes.

Submission:

Labcorp Genetics (formerly Invitae), Labcorp
Classification: Uncertain significance. Last evaluated: 2019-02-15. Review status: criteria provided, single submitter. Criteria: Invitae Variant Classification Sherloc (09022015). Collection method: clinical testing. Allele origin: germline.
Comment: This sequence change replaces threonine with asparagine at codon 212 of the HOGA1 protein (p.Thr212Asn). The threonine residue is highly conserved and there is a small physicochemical difference between threonine and asparagine. This variant is present in population databases (rs746545018, ExAC 0.001%). This variant has not been reported in the literature in individuals with HOGA1-related conditions. Algorithms developed to predict the effect of missense changes on protein structure and function (SIFT, PolyPhen-2, Align-GVGD) all suggest that this variant is likely to be disruptive, but these predictions have not been confirmed by published functional studies and their clinical significance is uncertain. In summary, the available evidence is currently insufficient to determine the role of this variant in disease. Therefore, it has been classified as a Variant of Uncertain Significance.